The following is an entry in ClinVar:

NM_003072.5(SMARCA4):c.866T>C (p.Met289Thr)

Gene: SMARCA4 (SWI/SNF related BAF chromatin remodeling complex subunit ATPase 4; plus strand). Cytogenetic location: 19p13.2.
Variant type: single nucleotide variant.
Coding change: c.866T>C on transcript NM_003072.5 (MANE Select); coding-DNA position 866, T replaced by C.
Protein change: p.Met289Thr; replaces methionine 289 with threonine.
Molecular consequence: missense variant. On other transcripts: non-coding transcript variant (1).
Genome position (GRCh38, 1-based): chr19:10,987,672, T>C. VCF-style: chr19-10987672-T-C. GRCh37 (hg19) VCF-style: chr19-11098348-T-C.
Other names: c.866T>C, p.Met289Thr (NM_001128844.3, NM_001128845.2, NM_001128846.2 and 5 more transcripts); short protein forms M289T.
Identifiers: ClinVar variation 238525 (VCV000238525.16), dbSNP rs878854243, ClinGen allele CA10583722.

ClinVar aggregate classification (germline): Uncertain significance. Review status: criteria provided, multiple submitters, no conflicts (2 of 4 stars). 3 submissions from 3 submitters: Uncertain significance (3). Last evaluated 2025-04-06.

Conditions:
Hereditary cancer-predisposing syndrome. Also called: Neoplastic Syndromes, Hereditary; Hereditary neoplastic syndrome; Tumor predisposition; Hereditary Cancer Syndrome. Identifiers: Orphanet 140162, MedGen C0027672, MeSH D009386, MONDO:0015356.
Intellectual disability, autosomal dominant 16 (CSS4). Also called: COFFIN-SIRIS SYNDROME 4. Identifiers: Orphanet 1465, MedGen C3553249, MONDO:0013821, OMIM 614609.
Rhabdoid tumor predisposition syndrome 2 (RTPS2). Identifiers: Orphanet 231108, Orphanet 69077, MedGen C2750074, MONDO:0013224, OMIM 613325.

gnomAD v4.1: 1 of 1,612,958 alleles (0.000062%); no homozygotes.

Submissions (3):

Ambry Genetics
Classification: Uncertain significance for Hereditary cancer-predisposing syndrome. Last evaluated: 2025-04-06. Review status: criteria provided, single submitter. Criteria: Ambry Variant Classification Scheme 2023. Collection method: clinical testing. Allele origin: germline.
Comment: The p.M289T variant (also known as c.866T>C), located in coding exon 5 of the SMARCA4 gene, results from a T to C substitution at nucleotide position 866. The methionine at codon 289 is replaced by threonine, an amino acid with similar properties. This amino acid position is not well conserved in available vertebrate species. In addition, the in silico prediction for this alteration is inconclusive. Missense and in-frame variants in SMARCA4 are known to cause neurodevelopmental disorders; however, such associations with rhabdoid tumor predisposition syndrome including small cell carcinoma of the ovary-hypercalcemic type (SCCOHT) are exceedingly rare (Kosho T et al. Am J Med Genet C Semin Med Genet. 2014 Sep;166C(3):262-75; Jelinic P et al. Nat Genet. 2014 May;46(5):424-6). Since supporting evidence is limited at this time, the clinical significance of this alteration remains unclear.

Labcorp Genetics (formerly Invitae), Labcorp
Classification: Uncertain significance for Rhabdoid tumor predisposition syndrome 2. Last evaluated: 2024-03-17. Review status: criteria provided, single submitter. Criteria: Invitae Variant Classification Sherloc (09022015). Collection method: clinical testing. Allele origin: germline.
Comment: This sequence change replaces methionine, which is neutral and non-polar, with threonine, which is neutral and polar, at codon 289 of the SMARCA4 protein (p.Met289Thr). This variant is not present in population databases (gnomAD no frequency). This variant has not been reported in the literature in individuals affected with SMARCA4-related conditions. ClinVar contains an entry for this variant (Variation ID: 238525). Advanced modeling of protein sequence and biophysical properties (such as structural, functional, and spatial information, amino acid conservation, physicochemical variation, residue mobility, and thermodynamic stability) performed at Invitae indicates that this missense variant is not expected to disrupt SMARCA4 protein function with a negative predictive value of 95%. In summary, the available evidence is currently insufficient to determine the role of this variant in disease. Therefore, it has been classified as a Variant of Uncertain Significance.

Genome-Nilou Lab
Classification: Uncertain significance for Intellectual disability, autosomal dominant 16. Last evaluated: 2021-07-15. Review status: criteria provided, single submitter. Criteria: ACMG Guidelines, 2015. Collection method: clinical testing. Allele origin: germline. Affected: no.